The following is an entry in ClinVar:

ClinVar aggregate classification (germline): Uncertain significance (1 of 4 stars; one submission).

Allele frequency attached by ClinVar (database versions not stated): gnomAD exomes below 0.00001; TOPMed 0.00001.
gnomAD v4.1: 1 of 1,211,099 alleles (0.000083%); no homozygotes.

Submission:

CeGaT Center for Human Genetics Tuebingen
Classification: Uncertain significance. Last evaluated: 2022-12-01. Review status: criteria provided, single submitter. Criteria: CeGaT Center For Human Genetics Tuebingen Variant Classification Criteria Version 2. Collection method: clinical testing. Allele origin: germline. Affected: yes. Observed: 1 variant allele.
Comment: FGD1: PP2, BP4

NM_004463.3(FGD1):c.1427G>A (p.Arg476Gln)

Gene: FGD1 (FYVE, RhoGEF and PH domain containing 1; minus strand). Cytogenetic location: Xp11.22.
Variant type: single nucleotide variant.
Coding change: c.1427G>A on transcript NM_004463.3 (MANE Select); coding-DNA position 1427, G replaced by A.
Protein change: p.Arg476Gln; replaces arginine 476 with glutamine.
Molecular consequence: missense variant.
Genome position (GRCh38, 1-based): chrX:54,465,766, C>T on the plus strand (G>A on the coding strand, the complement: FGD1 is on the minus strand). VCF-style: chrX-54465766-C-T. GRCh37 (hg19) VCF-style: chrX-54492199-C-T.
Other names: short protein forms R476Q.
Identifiers: ClinVar variation 2660667 (VCV002660667.24), dbSNP rs1401996796, ClinGen allele CA413244686.
Genomic context (GRCh38, chrX:54,465,766, plus strand): 5'-TGGATGATGACTTTAAACTGGGTGGAGCGCTCTGTCCAGGTGTTGACCAGCTCCACGGCC[C>T]GGTCAAAGTTCTTCACATACTCACCATACATCTTGAGGAAGGGGGCCAGTTTCTGCAGGA-3'
Protein context (NP_004454.2, residues 466-486): MYGEYVKNFD[Arg476Gln]AVELVNTWTE